The following is an entry in ClinVar:

ClinVar aggregate classification (germline): Uncertain significance (1 of 4 stars; one submission).

Conditions:
Congenital disorder of glycosylation (CDG). Also called: Carbohydrate-deficient glycoprotein syndrome; Congenital disorders of glycosylation. Identifiers: Orphanet 137, MedGen C0282577, MONDO:0015286.

Allele frequency attached by ClinVar (database versions not stated): gnomAD 0.00002; gnomAD exomes 0.00003 and 0.00006; TOPMed 0.00003; ExAC 0.00004.
gnomAD v4.1: 46 of 1,613,974 alleles (0.0029%); highest among the groups gnomAD compares: Middle Eastern, 0.016%; no homozygotes.

Submission:

Labcorp Genetics (formerly Invitae), Labcorp
Classification: Uncertain significance for Congenital disorder of glycosylation. Last evaluated: 2024-02-12. Review status: criteria provided, single submitter. Criteria: Invitae Variant Classification Sherloc (09022015). Collection method: clinical testing. Allele origin: germline.
Comment: This sequence change replaces glutamic acid, which is acidic and polar, with lysine, which is basic and polar, at codon 353 of the RPN2 protein (p.Glu353Lys). This variant is present in population databases (rs752827679, gnomAD 0.07%), and has an allele count higher than expected for a pathogenic variant. This variant has not been reported in the literature in individuals affected with RPN2-related conditions. ClinVar contains an entry for this variant (Variation ID: 1450814). An algorithm developed to predict the effect of missense changes on protein structure and function (PolyPhen-2) suggests that this variant is likely to be tolerated. In summary, the available evidence is currently insufficient to determine the role of this variant in disease. Therefore, it has been classified as a Variant of Uncertain Significance.

NM_002951.5(RPN2):c.1057G>A (p.Glu353Lys)

Gene: RPN2 (ribophorin II; plus strand). Cytogenetic location: 20q11.23.
Variant type: single nucleotide variant.
Coding change: c.1057G>A on transcript NM_002951.5 (MANE Select); coding-DNA position 1057, G replaced by A.
Protein change: p.Glu353Lys; replaces glutamic acid 353 with lysine.
Molecular consequence: missense variant.
Genome position (GRCh38, 1-based): chr20:37,213,830, G>A. VCF-style: chr20-37213830-G-A. GRCh37 (hg19) VCF-style: chr20-35842233-G-A.
Other names: c.961G>A, p.Glu321Lys (NM_001135771.3); c.1057G>A, p.Glu353Lys (NM_001324299.2, NM_001324302.2, NM_001324303.2 and 1 more transcripts); c.1105G>A, p.Glu369Lys (NM_001324301.2, NM_001324305.2); c.586G>A, p.Glu196Lys (NM_001324306.2); short protein forms E369K, E196K, E321K, E353K.
Identifiers: ClinVar variation 1450814 (VCV001450814.6), dbSNP rs752827679, ClinGen allele CA9847071.